The following is an entry in ClinVar:

NM_001032386.2(SUOX):c.796G>A (p.Gly266Ser)

Gene: SUOX (sulfite oxidase; plus strand). Cytogenetic location: 12q13.2.
Variant type: single nucleotide variant.
Coding change: c.796G>A on transcript NM_001032386.2 (MANE Select); coding-DNA position 796, G replaced by A.
Protein change: p.Gly266Ser; replaces glycine 266 with serine.
Molecular consequence: missense variant.
Genome position (GRCh38, 1-based): chr12:56,004,185, G>A. VCF-style: chr12-56004185-G-A. GRCh37 (hg19) VCF-style: chr12-56397969-G-A.
Other names: c.796G>A, p.Gly266Ser (NM_000456.3, NM_001032387.2); short protein forms G266S.
Identifiers: ClinVar variation 802863 (VCV000802863.14), dbSNP rs144064367, ClinGen allele CA6621046.

ClinVar aggregate classification (germline): Conflicting classifications of pathogenicity. Review status: criteria provided, conflicting classifications (1 of 4 stars). 7 submissions from 7 submitters: Likely pathogenic (2); Uncertain significance (5). Last evaluated 2026-08-06.

Conditions:
Sulfite oxidase deficiency. Also called: Isolated sulfite oxidase deficiency. Identifiers: Orphanet 833, Orphanet 99731, MedGen C0268624, MONDO:0010089, OMIM 272300, HP:0003643.

Allele frequency attached by ClinVar (database versions not stated): gnomAD 0.00001 and 0.00002; TOPMed 0.00002; gnomAD exomes 0.00003 and 0.00004; ExAC 0.00005; ESP Exome Variant Server 0.00008.
gnomAD v4.1: 40 of 1,613,952 alleles (0.0025%); highest among the groups gnomAD compares: South Asian, 0.0033%; no homozygotes.

Submissions (7):

OLLIN Analises Genomicas, OLLIN
Classification: Uncertain significance for Sulfite oxidase deficiency. Last evaluated: 2026-08-06. Review status: criteria provided, single submitter. Criteria: ACMG Guidelines 2015 PMID 25741868. Collection method: clinical testing. Allele origin: germline.
Comment: This missense variant, located in exon 5 (of 5), has been reported in ClinVar (accession VCV000802863.13) and in gnomAD with an allele frequency of 0.0025%. However, to our knowledge, it has not been reported in the scientific literature. In silico analysis predicts that this variant has a deleterious effect. According to the currently available evidence, this variant has been classified as uncertain significance (PM2_P, PP3_S).

Women's Health and Genetics/Laboratory Corporation of America, LabCorp
Classification: Uncertain significance. Last evaluated: 2026-05-01. Review status: criteria provided, single submitter. Criteria: LabCorp Variant Classification Summary - May 2015. Collection method: clinical testing. Allele origin: germline.
Comment: Variant summary: SUOX c.796G>A (p.Gly266Ser) results in a non-conservative amino acid change located in the Oxidoreductase, molybdopterin-binding domain of the encoded protein sequence. Algorithms developed to predict the effect of missense changes on protein structure and function are either unavailable or do not agree on the potential impact of this missense change. The variant allele was found at a frequency of 4.4e-05 in 251446 control chromosomes (gnomAD). This frequency is not significantly higher than estimated for disease-causing variants in SUOX, allowing no conclusion about variant significance. c.796G>A has been observed in one individual affected with neurodevelopmental disorders (Pranav Chand_EJMG_2023). These data indicate that the variant may be associated with disease. To our knowledge, no experimental evidence demonstrating an impact on protein function has been reported. The following publication have been ascertained in the context of this evaluation (PMID: 36801247). ClinVar contains an entry for this variant (Variation ID: 802863). Based on the evidence outlined above, the variant was classified as VUS-possibly pathogenic.

Institute of Immunology and Genetics Kaiserslautern
Classification: Likely pathogenic for Sulfite oxidase deficiency. Last evaluated: 2024-06-03. Review status: criteria provided, single submitter. Criteria: ACMG Guidelines, 2015. Collection method: clinical testing. Allele origin: germline.
Comment: ACMG Criteria: PS3_m, PM2_p, PM3, PP3; Variant was found in heterozygous state

Labcorp Genetics (formerly Invitae), Labcorp
Classification: Uncertain significance for Sulfite oxidase deficiency. Last evaluated: 2022-06-13. Review status: criteria provided, single submitter. Criteria: Invitae Variant Classification Sherloc (09022015). Collection method: clinical testing. Allele origin: germline.
Comment: This sequence change replaces glycine, which is neutral and non-polar, with serine, which is neutral and polar, at codon 266 of the SUOX protein (p.Gly266Ser). This variant is present in population databases (rs144064367, gnomAD 0.01%). This variant has not been reported in the literature in individuals affected with SUOX-related conditions. ClinVar contains an entry for this variant (Variation ID: 802863). Algorithms developed to predict the effect of missense changes on protein structure and function (SIFT, PolyPhen-2, Align-GVGD) all suggest that this variant is likely to be disruptive. In summary, the available evidence is currently insufficient to determine the role of this variant in disease. Therefore, it has been classified as a Variant of Uncertain Significance.

Revvity Omics, Revvity
Classification: Uncertain significance for Sulfite oxidase deficiency. Last evaluated: 2020-03-18. Review status: criteria provided, single submitter. Criteria: ACMG Guidelines, 2015. Collection method: clinical testing. Allele origin: germline.

Mendelics
Classification: Likely pathogenic for Sulfite oxidase deficiency. Last evaluated: 2019-05-28. Review status: criteria provided, single submitter. Criteria: Mendelics Assertion Criteria 2017. Collection method: clinical testing. Allele origin: unknown.

Neuberg Centre For Genomic Medicine, NCGM
Classification: Uncertain significance for Sulfite oxidase deficiency. Review status: criteria provided, single submitter. Criteria: ACMG Guidelines, 2015. Collection method: clinical testing. Allele origin: germline. Affected: yes.
Comment: The missense variant p.G266S in SUOX (NM_000456.2) has not been reported previously as a pathogenic variant nor as a benign variant, to our knowledge. It has been submitted in the ClinVar database as Likely Pathogenic but no supporting evidence for the same is available.There is a small physicochemical difference between glycine and serine, which is not likely to impact secondary protein structure as these residues share similar properties. The p.G266S missense variant is predicted to be damaging by both SIFT and PolyPhen2. The glycine residue at codon 266 of SUOX is conserved in all mammalian species. The nucleotide c.796 in SUOX is predicted conserved by GERP++ and PhyloP across 100 vertebrates. For these reasons, this variant has been classified as Uncertain Significance.

Literature cited by the submitters: PubMed 36801247 (cited by Women's Health and Genetics/Laboratory Corporation of America, LabCorp).